The following is an entry in ClinVar:

NM_001376.5(DYNC1H1):c.4382A>G (p.Glu1461Gly)

Gene: DYNC1H1 (dynein cytoplasmic 1 heavy chain 1; plus strand). Cytogenetic location: 14q32.31.
Variant type: single nucleotide variant.
Coding change: c.4382A>G on transcript NM_001376.5 (MANE Select); coding-DNA position 4382, A replaced by G.
Protein change: p.Glu1461Gly; replaces glutamic acid 1461 with glycine.
Molecular consequence: missense variant.
Genome position (GRCh38, 1-based): chr14:102,001,341, A>G. VCF-style: chr14-102001341-A-G. GRCh37 (hg19) VCF-style: chr14-102467678-A-G.
Other names: short protein forms E1461G.
Identifiers: ClinVar variation 2759857 (VCV002759857.3), dbSNP rs2503730479, ClinGen allele CA391042110.

ClinVar aggregate classification (germline): Uncertain significance (1 of 4 stars; one submission).

Conditions:
Charcot-Marie-Tooth disease axonal type 2O. Also called: CHARCOT-MARIE-TOOTH NEUROPATHY, AXONAL, TYPE 2O; CHARCOT-MARIE-TOOTH DISEASE, AXONAL, AUTOSOMAL DOMINANT, TYPE 2O; Charcot-Marie-Tooth Neuropathy Type 2O; Charcot-Marie-Tooth disease, axonal, type 20. Identifiers: Orphanet 284232, MedGen C3280220, MONDO:0013644, OMIM 614228.

Submission:

Labcorp Genetics (formerly Invitae), Labcorp
Classification: Uncertain significance for Charcot-Marie-Tooth disease axonal type 2O. Last evaluated: 2023-09-10. Review status: criteria provided, single submitter. Criteria: Invitae Variant Classification Sherloc (09022015). Collection method: clinical testing. Allele origin: germline.
Comment: In summary, the available evidence is currently insufficient to determine the role of this variant in disease. Therefore, it has been classified as a Variant of Uncertain Significance. Advanced modeling of protein sequence and biophysical properties (such as structural, functional, and spatial information, amino acid conservation, physicochemical variation, residue mobility, and thermodynamic stability) performed at Invitae indicates that this missense variant is expected to disrupt DYNC1H1 protein function. This variant has not been reported in the literature in individuals affected with DYNC1H1-related conditions. This variant is not present in population databases (gnomAD no frequency). This sequence change replaces glutamic acid, which is acidic and polar, with glycine, which is neutral and non-polar, at codon 1461 of the DYNC1H1 protein (p.Glu1461Gly).